The following is an entry in ClinVar:

ClinVar aggregate classification (germline): Uncertain significance. Review status: criteria provided, multiple submitters, no conflicts (2 of 4 stars). 5 submissions from 5 submitters: Uncertain significance (5). Last evaluated 2025-03-31.

Conditions:
Inborn genetic diseases. Identifiers: MedGen C0950123, MeSH D030342.
Nemaline myopathy 8 (NEM8). Also called: Nemaline myopathy 8, autosomal recessive. Identifiers: Orphanet 171430, MedGen C3809209, MONDO:0014138, OMIM 615348.

Allele frequency attached by ClinVar (database versions not stated): TOPMed 0.00014; gnomAD 0.00019; ESP Exome Variant Server 0.00031.
gnomAD v4.1: 523 of 1,608,934 alleles (0.033%); highest among the groups gnomAD compares: Non-Finnish European, 0.043%; no homozygotes.

Submissions (5):

Revvity Omics, Revvity
Classification: Uncertain significance for Nemaline myopathy 8. Last evaluated: 2025-03-31. Review status: criteria provided, single submitter. Criteria: ACMG Guidelines, 2015. Collection method: clinical testing. Allele origin: germline.

GeneDx
Classification: Uncertain significance. Last evaluated: 2024-02-28. Review status: criteria provided, single submitter. Criteria: GeneDx Variant Classification Process June 2021. Collection method: clinical testing. Allele origin: germline. Affected: yes.
Comment: Reported as a heterozygous variant in two patients with language impairment in the published literature (PMID: 28440294); In silico analysis supports that this missense variant has a deleterious effect on protein structure/function; This variant is associated with the following publications: (PMID: 27149842, 28440294)

Labcorp Genetics (formerly Invitae), Labcorp
Classification: Uncertain significance for Nemaline myopathy 8. Last evaluated: 2022-08-05. Review status: criteria provided, single submitter. Criteria: Invitae Variant Classification Sherloc (09022015). Collection method: clinical testing. Allele origin: germline.
Comment: This sequence change replaces arginine, which is basic and polar, with proline, which is neutral and non-polar, at codon 138 of the KLHL40 protein (p.Arg138Pro). This variant is present in population databases (rs142285083, gnomAD 0.02%). This variant has not been reported in the literature in individuals affected with KLHL40-related conditions. ClinVar contains an entry for this variant (Variation ID: 474335). Algorithms developed to predict the effect of missense changes on protein structure and function (SIFT, PolyPhen-2, Align-GVGD) all suggest that this variant is likely to be disruptive. In summary, the available evidence is currently insufficient to determine the role of this variant in disease. Therefore, it has been classified as a Variant of Uncertain Significance.

Ambry Genetics
Classification: Uncertain significance for Inborn genetic diseases. Last evaluated: 2021-12-03. Review status: criteria provided, single submitter. Criteria: Ambry Variant Classification Scheme 2023. Collection method: clinical testing. Allele origin: germline.

Fulgent Genetics
Classification: Uncertain significance for Nemaline myopathy 8. Last evaluated: 2021-07-21. Review status: criteria provided, single submitter. Criteria: ACMG Guidelines, 2015. Collection method: clinical testing. Allele origin: unknown.

NM_152393.4(KLHL40):c.413G>C (p.Arg138Pro)

Gene: KLHL40 (kelch like family member 40; plus strand). Cytogenetic location: 3p22.1.
Variant type: single nucleotide variant.
Coding change: c.413G>C on transcript NM_152393.4 (MANE Select); coding-DNA position 413, G replaced by C.
Protein change: p.Arg138Pro; replaces arginine 138 with proline.
Molecular consequence: missense variant.
Genome position (GRCh38, 1-based): chr3:42,686,031, G>C. VCF-style: chr3-42686031-G-C. GRCh37 (hg19) VCF-style: chr3-42727523-G-C.
Other names: c.413G>C (NM_152393.2); short protein forms R138P.
Identifiers: ClinVar variation 474335 (VCV000474335.10), dbSNP rs142285083, ClinGen allele CA2336644.